The following is an entry in ClinVar:

ClinVar aggregate classification (germline): Pathogenic (1 of 4 stars; one submission).

Submission:

Labcorp Genetics (formerly Invitae), Labcorp
Classification: Pathogenic. Last evaluated: 2022-02-23. Review status: criteria provided, single submitter. Criteria: Invitae Variant Classification Sherloc (09022015). Collection method: clinical testing. Allele origin: germline.
Comment: For these reasons, this variant has been classified as Pathogenic. This variant has not been reported in the literature in individuals affected with CHM-related conditions. This variant is not present in population databases (gnomAD no frequency). This sequence change creates a premature translational stop signal (p.Val447Alafs*14) in the CHM gene. It is expected to result in an absent or disrupted protein product. Loss-of-function variants in CHM are known to be pathogenic (PMID: 9067750, 23811034).

Literature cited by the submitters: PubMed 9067750; PubMed 23811034.

NM_000390.4(CHM):c.1340_1341del (p.Val447fs)

Gene: CHM (CHM Rab escort protein; minus strand). Cytogenetic location: Xq21.2.
Variant type: Microsatellite.
Coding change: c.1340_1341del on transcript NM_000390.4 (MANE Select); coding-DNA positions 1340 to 1341, 2 bases deleted (TG; older notation c.1340_1341delTG).
Protein change: p.Val447fs; shifts the reading frame from valine 447.
Molecular consequence: frameshift variant.
Genome position (GRCh38, 1-based): chrX:85,901,092-85,901,093, CA deleted on the plus strand (TG on the coding strand, the reverse complement: CHM is on the minus strand); deleting any 2 consecutive bases within chrX:85,901,092-85,901,096 gives the same sequence; the c. name uses the placement nearest the transcript's 3' end. VCF-style (leftmost placement, unchanged base first): chrX-85901091-GCA-G. GRCh37 (hg19) VCF-style: chrX-85156096-GCA-G.
Other names: c.896_897del, p.Val299fs (NM_001320959.1, NM_001362517.1, NM_001362518.2 and 1 more transcripts); short protein forms V299fs, V447fs.
Identifiers: ClinVar variation 1070787 (VCV001070787.7), dbSNP rs2148154145, ClinGen allele CA2580612435.